The following is an entry in ClinVar:

ClinVar aggregate classification (germline): Uncertain significance (1 of 4 stars; one submission).

Allele frequency attached by ClinVar (database versions not stated): TOPMed below 0.00001; gnomAD exomes 0.00001; ExAC 0.00005.
gnomAD v4.1: 19 of 1,613,918 alleles (0.0012%); highest among the groups gnomAD compares: Middle Eastern, 0.033%; 1 homozygote.

Submission:

Labcorp Genetics (formerly Invitae), Labcorp
Classification: Uncertain significance. Last evaluated: 2025-11-17. Review status: criteria provided, single submitter. Criteria: Invitae Variant Classification Sherloc (09022015). Collection method: clinical testing. Allele origin: germline.
Comment: This sequence change replaces arginine, which is basic and polar, with histidine, which is basic and polar, at codon 667 of the ANLN protein (p.Arg667His). This variant is present in population databases (rs766697251, gnomAD 0.02%), including at least one homozygous and/or hemizygous individual. This variant has not been reported in the literature in individuals affected with ANLN-related conditions. ClinVar contains an entry for this variant (Variation ID: 1912305). Invitae Evidence Modeling of protein sequence and biophysical properties (such as structural, functional, and spatial information, amino acid conservation, physicochemical variation, residue mobility, and thermodynamic stability) indicates that this missense variant is not expected to disrupt ANLN protein function with a negative predictive value of 80%. In summary, the available evidence is currently insufficient to determine the role of this variant in disease. Therefore, it has been classified as a Variant of Uncertain Significance.

NM_018685.5(ANLN):c.2000G>A (p.Arg667His)

Gene: ANLN (anillin, actin binding protein; plus strand). Cytogenetic location: 7p14.2.
Variant type: single nucleotide variant.
Coding change: c.2000G>A on transcript NM_018685.5 (MANE Select); coding-DNA position 2000, G replaced by A.
Protein change: p.Arg667His; replaces arginine 667 with histidine.
Molecular consequence: missense variant.
Genome position (GRCh38, 1-based): chr7:36,420,299, G>A. VCF-style: chr7-36420299-G-A. GRCh37 (hg19) VCF-style: chr7-36459908-G-A.
Other names: c.1889G>A, p.Arg630His (NM_001284301.3); c.1886G>A, p.Arg629His (NM_001284302.3); short protein forms R630H, R629H, R667H.
Identifiers: ClinVar variation 1912305 (VCV001912305.5), dbSNP rs766697251, ClinGen allele CA4219743.